The following is an entry in ClinVar:

ClinVar aggregate classification (germline): Uncertain significance (1 of 4 stars; one submission).

Conditions:
Early-infantile DEE. Also called: Early infantile epileptic encephalopathy; Ohtahara syndrome; Early infantile epileptic encephalopathy with suppression bursts. Identifiers: Orphanet 1934, MedGen C0393706, MONDO:0800491.

Allele frequency attached by ClinVar (database versions not stated): gnomAD exomes below 0.00001; gnomAD 0.00002; TOPMed 0.00002.
gnomAD v4.1: 5 of 1,613,950 alleles (0.00031%); highest among the groups gnomAD compares: African/African-American, 0.0053%; no homozygotes.

Submission:

Labcorp Genetics (formerly Invitae), Labcorp
Classification: Uncertain significance for Early-infantile DEE. Last evaluated: 2025-03-16. Review status: criteria provided, single submitter. Criteria: Invitae Variant Classification Sherloc (09022015). Collection method: clinical testing. Allele origin: germline.
Comment: This sequence change replaces proline, which is neutral and non-polar, with threonine, which is neutral and polar, at codon 39 of the SCN1A protein (p.Pro39Thr). The frequency data for this variant in the population databases is considered unreliable, as metrics indicate poor data quality at this position in the gnomAD database. This missense change has been observed in individual(s) with clinical features of SCN1A-related conditions (internal data). ClinVar contains an entry for this variant (Variation ID: 952736). Invitae Evidence Modeling of protein sequence and biophysical properties (such as structural, functional, and spatial information, amino acid conservation, physicochemical variation, residue mobility, and thermodynamic stability) indicates that this missense variant is not expected to disrupt SCN1A protein function with a negative predictive value of 95%. In summary, the available evidence is currently insufficient to determine the role of this variant in disease. Therefore, it has been classified as a Variant of Uncertain Significance.

NM_001165963.4(SCN1A):c.115C>A (p.Pro39Thr)

Gene: SCN1A (sodium voltage-gated channel alpha subunit 1; minus strand). Cytogenetic location: 2q24.3.
Variant type: single nucleotide variant.
Coding change: c.115C>A on transcript NM_001165963.4 (MANE Select); coding-DNA position 115, C replaced by A.
Protein change: p.Pro39Thr; replaces proline 39 with threonine.
Molecular consequence: missense variant. On other transcripts: 5 prime UTR variant (1), non-coding transcript variant (1).
Genome position (GRCh38, 1-based): chr2:166,073,507, G>T on the plus strand (C>A on the coding strand, the complement: SCN1A is on the minus strand). VCF-style: chr2-166073507-G-T. GRCh37 (hg19) VCF-style: chr2-166930017-G-T.
Other names: c.115C>A, p.Pro39Thr (NM_001165964.3, NM_001202435.3, NM_001353948.2 and 10 more transcripts); c.-2311C>A (NM_001353961.2); short protein forms P39T.
Identifiers: ClinVar variation 952736 (VCV000952736.10), dbSNP rs968754992, ClinGen allele CA60270528.